The following is an entry in ClinVar:

NM_001009944.3(PKD1):c.8474T>C (p.Leu2825Pro)

Gene: PKD1 (polycystin 1, transient receptor potential channel interacting; minus strand). Cytogenetic location: 16p13.3.
Variant type: single nucleotide variant.
Coding change: c.8474T>C on transcript NM_001009944.3 (MANE Select); coding-DNA position 8474, T replaced by C.
Protein change: p.Leu2825Pro; replaces leucine 2825 with proline.
Molecular consequence: missense variant.
Genome position (GRCh38, 1-based): chr16:2,103,583, A>G on the plus strand (T>C on the coding strand, the complement: PKD1 is on the minus strand). VCF-style: chr16-2103583-A-G. GRCh37 (hg19) VCF-style: chr16-2153584-A-G.
Other names: c.8474T>C, p.Leu2825Pro (NM_000296.4); short protein forms L2825P.
Identifiers: ClinVar variation 3600642 (VCV003600642.2).

ClinVar aggregate classification (germline): Conflicting classifications of pathogenicity. Review status: criteria provided, conflicting classifications (1 of 4 stars). 2 submissions from 2 submitters: Likely pathogenic (1); Uncertain significance (1). Last evaluated 2024-07-24.

Conditions:
PKD1-related disorder. Also called: PKD1-related condition.

Submissions (2):

GeneDx
Classification: Uncertain significance. Last evaluated: 2024-07-24. Review status: criteria provided, single submitter. Criteria: GeneDx Variant Classification Process June 2021. Collection method: clinical testing. Allele origin: germline. Affected: yes.
Comment: Not observed at significant frequency in large population cohorts (gnomAD); In silico analysis supports that this missense variant has a deleterious effect on protein structure/function; This variant is associated with the following publications: (PMID: 31027891, 32398770)

Blueprint Genetics
Classification: Likely pathogenic for PKD1-related disorders. Last evaluated: 2021-02-11. Review status: criteria provided, single submitter. Criteria: ACMG Guidelines, 2015. Collection method: clinical testing. Allele origin: germline. Affected: yes. Observed: 1 variant allele.